The following is an entry in ClinVar:

NM_002336.3(LRP6):c.1087A>G (p.Ile363Val)

Gene: LRP6 (LDL receptor related protein 6; minus strand). Cytogenetic location: 12p13.2.
Variant type: single nucleotide variant.
Coding change: c.1087A>G on transcript NM_002336.3 (MANE Select); coding-DNA position 1087, A replaced by G.
Protein change: p.Ile363Val; replaces isoleucine 363 with valine.
Molecular consequence: missense variant. On other transcripts: non-coding transcript variant (1).
Genome position (GRCh38, 1-based): chr12:12,181,329, T>C on the plus strand (A>G on the coding strand, the complement: LRP6 is on the minus strand). VCF-style: chr12-12181329-T-C. GRCh37 (hg19) VCF-style: chr12-12334263-T-C.
Other names: c.1087A>G, p.Ile363Val (NM_001414248.1, NM_001414249.1, NM_001414250.1 and 5 more transcripts); c.634A>G, p.Ile212Val (NM_001414252.1, NM_001414253.1, NM_001414254.1); c.889A>G, p.Ile297Val (NM_001414247.1); short protein forms I297V, I212V, I363V.
Identifiers: ClinVar variation 4777691 (VCV004777691.1).

ClinVar aggregate classification (germline): Uncertain significance (1 of 4 stars; one submission).

gnomAD v4.1: 12 of 1,613,992 alleles (0.00074%); no homozygotes.

Submission:

Labcorp Genetics (formerly Invitae), Labcorp
Classification: Uncertain significance. Last evaluated: 2025-10-10. Review status: criteria provided, single submitter. Criteria: Invitae Variant Classification Sherloc (09022015). Collection method: clinical testing. Allele origin: germline.
Comment: This sequence change replaces isoleucine, which is neutral and non-polar, with valine, which is neutral and non-polar, at codon 363 of the LRP6 protein (p.Ile363Val). The frequency data for this variant in the population databases is considered unreliable, as metrics indicate poor data quality at this position in the gnomAD database. This variant has not been reported in the literature in individuals affected with LRP6-related conditions. Invitae Evidence Modeling of protein sequence and biophysical properties (such as structural, functional, and spatial information, amino acid conservation, physicochemical variation, residue mobility, and thermodynamic stability) indicates that this missense variant is not expected to disrupt LRP6 protein function with a negative predictive value of 80%. In summary, the available evidence is currently insufficient to determine the role of this variant in disease. Therefore, it has been classified as a Variant of Uncertain Significance.